The following is an entry in ClinVar:

NM_032444.4(SLX4):c.16A>T (p.Asn6Tyr)

Gene: SLX4 (SLX4 structure-specific endonuclease subunit; minus strand). Cytogenetic location: 16p13.3.
Variant type: single nucleotide variant.
Coding change: c.16A>T on transcript NM_032444.4 (MANE Select); coding-DNA position 16, A replaced by T.
Protein change: p.Asn6Tyr; replaces asparagine 6 with tyrosine.
Molecular consequence: missense variant.
Genome position (GRCh38, 1-based): chr16:3,608,949, T>A on the plus strand (A>T on the coding strand, the complement: SLX4 is on the minus strand). VCF-style: chr16-3608949-T-A. GRCh37 (hg19) VCF-style: chr16-3658950-T-A.
Other names: short protein forms N6Y.
Identifiers: ClinVar variation 1435815 (VCV001435815.6), dbSNP rs1420004804, ClinGen allele CA394548139.
Genomic context (GRCh38, chr16:3,608,949, plus strand): 5'-TCCCAGGACAGGCAGACAGATGAGAAAGTGAACCCAAGTAGAAGCCTAGCTGAGCCTCAT[T>A]CACACTCAGTTTCATTAGGGTTCTTCTCTACTTCTCCATTAGATACTTGGAGAGTTTGCA-3'
Protein context (NP_115820.2, residues 1-16): MKLSV[Asn6Tyr]EAQLGFYLGS

ClinVar aggregate classification (germline): Uncertain significance (1 of 4 stars; one submission).

Conditions:
Fanconi anemia (FA). Also called: Fanconi's anemia. Identifiers: Orphanet 84, MedGen C0015625, MeSH D005199, MONDO:0019391.

Allele frequency attached by ClinVar (database versions not stated): gnomAD exomes below 0.00001.
gnomAD v4.1: 1 of 1,613,558 alleles (0.000062%); highest among the groups gnomAD compares: Non-Finnish European, 0.000085%; no homozygotes.

Submission:

Labcorp Genetics (formerly Invitae), Labcorp
Classification: Uncertain significance for Fanconi anemia. Last evaluated: 2022-08-15. Review status: criteria provided, single submitter. Criteria: Invitae Variant Classification Sherloc (09022015). Collection method: clinical testing. Allele origin: germline.
Comment: This variant has not been reported in the literature in individuals affected with SLX4-related conditions. In summary, the available evidence is currently insufficient to determine the role of this variant in disease. Therefore, it has been classified as a Variant of Uncertain Significance. Algorithms developed to predict the effect of missense changes on protein structure and function are either unavailable or do not agree on the potential impact of this missense change (SIFT: "Deleterious"; PolyPhen-2: "Benign"; Align-GVGD: "Class C0"). ClinVar contains an entry for this variant (Variation ID: 1435815). This variant is present in population databases (no rsID available, gnomAD 0.0009%). This sequence change replaces asparagine, which is neutral and polar, with tyrosine, which is neutral and polar, at codon 6 of the SLX4 protein (p.Asn6Tyr).